The following is an entry in ClinVar:

NM_001854.4(COL11A1):c.4303-3del

Gene: COL11A1 (collagen type XI alpha 1 chain; minus strand). Cytogenetic location: 1p21.1.
Variant type: Deletion.
Coding change: c.4303-3del on transcript NM_001854.4 (MANE Select); 3 bases into the intron before coding-DNA position 4303, one base deleted (T; older notation c.4303-3delT).
Molecular consequence: intron variant.
Genome position (GRCh38, 1-based): chr1:102,890,507, A deleted on the plus strand (T on the coding strand, the reverse complement: COL11A1 is on the minus strand); the first of 3 consecutive A bases (chr1:102,890,507-102,890,509); deleting any one gives the same sequence. VCF-style (leftmost placement, unchanged base first): chr1-102890506-TA-T. GRCh37 (hg19) VCF-style: chr1-103356062-TA-T.
Other names: c.4186-3del (NM_001190709.2); c.4339-3del (NM_080629.3); c.3955-3del (NM_080630.4).
Identifiers: ClinVar variation 3367683 (VCV003367683.1).

ClinVar aggregate classification (germline): Uncertain significance (1 of 4 stars; one submission).

Submission:

GeneDx
Classification: Uncertain significance. Last evaluated: 2024-01-09. Review status: criteria provided, single submitter. Criteria: GeneDx Variant Classification Process June 2021. Collection method: clinical testing. Allele origin: germline. Affected: yes.
Comment: Not observed at significant frequency in large population cohorts (gnomAD); In silico analysis supports that this variant does not alter splicing; Has not been previously published as pathogenic or benign to our knowledge